The following is an entry in ClinVar:

NM_001110556.2(FLNA):c.3369C>T (p.Ser1123=)

Gene: FLNA (filamin A; minus strand). Cytogenetic location: Xq28.
Variant type: single nucleotide variant.
Coding change: c.3369C>T on transcript NM_001110556.2 (MANE Select); coding-DNA position 3369, C replaced by T.
Protein change: p.Ser1123=; no amino-acid change (serine 1123 retained).
Molecular consequence: synonymous variant.
Genome position (GRCh38, 1-based): chrX:154,360,426, G>A on the plus strand (C>T on the coding strand, the complement: FLNA is on the minus strand). VCF-style: chrX-154360426-G-A. GRCh37 (hg19) VCF-style: chrX-153588794-G-A.
Other names: p.Ser1123=; c.3369C>T, p.Ser1123= (NM_001456.4).
Identifiers: ClinVar variation 1170030 (VCV001170030.15), dbSNP rs782475258, ClinGen allele CA10560722.

ClinVar aggregate classification (germline): Benign/Likely benign. Review status: criteria provided, multiple submitters, no conflicts (2 of 4 stars). 5 submissions from 5 submitters: Benign (1); Likely benign (4). Last evaluated 2025-11-12.

Conditions:
Melnick-Needles syndrome (MNS). Also called: OSTEODYSPLASTY OF MELNICK AND NEEDLES; MELNICK-NEEDLES OSTEODYSPLASTY; Melnick-Needles Syndrome (FLNA-MNS). Identifiers: Orphanet 2484, MedGen C0025237, MONDO:0010650, OMIM 309350.
Frontometaphyseal dysplasia (FMD1). Identifiers: Orphanet 1826, MedGen C0265293, MONDO:0015942.
Heterotopia, periventricular, X-linked dominant (PVNH1). Also called: PERIVENTRICULAR NODULAR HETEROTOPIA 4; HETEROTOPIA, PERIVENTRICULAR, 1; PERIVENTRICULAR NODULAR HETEROTOPIA 1; X-linked periventricular heterotopia. Identifiers: Orphanet 2149, Orphanet 82004, MedGen C1848213, MONDO:0010233, OMIM 300049.
Oto-palato-digital syndrome, type II (OPD2). Also called: OPD II SYNDROME; FACIOPALATOOSSEOUS SYNDROME; Otopalatodigital Syndrome Type 2 (FLNA-OPD2); Otopalatodigital Syndrome, Type II. Identifiers: Orphanet 669, Orphanet 90652, MedGen C1844696, MONDO:0010571, OMIM 304120.
Familial thoracic aortic aneurysm and aortic dissection (TAAD). Also called: Thoracic aortic aneurysms and dissections. Identifiers: Orphanet 91387, MedGen C4707243, MONDO:0019625.

Allele frequency attached by ClinVar (database versions not stated): gnomAD exomes 0.00001 and 0.00003; ExAC 0.00002; gnomAD 0.00002; TOPMed 0.00002.

Submissions (5):

Labcorp Genetics (formerly Invitae), Labcorp
Classification: Benign for Oto-palato-digital syndrome, type II; Heterotopia, periventricular, X-linked dominant; Frontometaphyseal dysplasia; Melnick-Needles syndrome. Last evaluated: 2025-11-12. Review status: criteria provided, single submitter. Criteria: Invitae Variant Classification Sherloc (09022015). Collection method: clinical testing. Allele origin: germline.

Mayo Clinic Laboratories, Mayo Clinic
Classification: Likely benign. Last evaluated: 2025-08-07. Review status: criteria provided, single submitter. Criteria: ACMG Guidelines, 2015. Collection method: clinical testing. Allele origin: germline. Observed: 2 variant alleles.
Comment: BP4, BP7

Ambry Genetics
Classification: Likely benign for Familial thoracic aortic aneurysm and aortic dissection. Last evaluated: 2025-03-25. Review status: criteria provided, single submitter. Criteria: Ambry Variant Classification Scheme 2023. Collection method: clinical testing. Allele origin: germline.

Blueprint Genetics
Classification: Likely benign. Last evaluated: 2022-02-08. Review status: criteria provided, single submitter. Criteria: ACMG Guidelines, 2015. Collection method: clinical testing. Allele origin: germline.

GeneDx
Classification: Likely benign. Last evaluated: 2020-02-24. Review status: criteria provided, single submitter. Criteria: GeneDx Variant Classification Process June 2021. Collection method: clinical testing. Allele origin: germline. Affected: yes.